The following is an entry in ClinVar:

ClinVar aggregate classification (germline): Uncertain significance. Review status: criteria provided, multiple submitters, no conflicts (2 of 4 stars). 2 submissions from 2 submitters: Uncertain significance (2). Last evaluated 2026-06-02.

Conditions:
Mitochondrial complex II deficiency, nuclear type 1. Also called: SUCCINATE CoQ REDUCTASE DEFICIENCY. Identifiers: Orphanet 3208, MedGen C5700310, MONDO:0100294, OMIM 252011.
Pheochromocytoma/paraganglioma syndrome 5. Also called: Paragangliomas 5; SDHA-Related Hereditary Paraganglioma-Pheochromocytoma Syndrome. Identifiers: Orphanet 29072, MedGen C3279992, MONDO:0013602, OMIM 614165.
Hereditary cancer-predisposing syndrome. Also called: Neoplastic Syndromes, Hereditary; Tumor predisposition; Hereditary Cancer Syndrome; Hereditary neoplastic syndrome. Identifiers: Orphanet 140162, MedGen C0027672, MeSH D009386, MONDO:0015356.

Allele frequency attached by ClinVar (database versions not stated): gnomAD exomes below 0.00001.
gnomAD v4.1: 1 of 1,613,878 alleles (0.000062%); highest among the groups gnomAD compares: South Asian, 0.0011%; no homozygotes.

Submissions (2):

Ambry Genetics
Classification: Uncertain significance for Hereditary cancer-predisposing syndrome. Last evaluated: 2026-06-02. Review status: criteria provided, single submitter. Criteria: Ambry Variant Classification Scheme 2023. Collection method: clinical testing. Allele origin: germline.
Comment: The p.D137V variant (also known as c.410A>T), located in coding exon 4 of the SDHA gene, results from an A to T substitution at nucleotide position 410. The aspartic acid at codon 137 is replaced by valine, an amino acid with highly dissimilar properties. This amino acid position is highly conserved in available vertebrate species. In addition, this alteration is predicted to be deleterious by in silico analysis. Based on the available evidence, the clinical significance of this variant remains unclear.

Labcorp Genetics (formerly Invitae), Labcorp
Classification: Uncertain significance for Pheochromocytoma/paraganglioma syndrome 5; Mitochondrial complex II deficiency, nuclear type 1. Last evaluated: 2025-04-28. Review status: criteria provided, single submitter. Criteria: Invitae Variant Classification Sherloc (09022015). Collection method: clinical testing. Allele origin: germline.
Comment: This sequence change replaces aspartic acid, which is acidic and polar, with valine, which is neutral and non-polar, at codon 137 of the SDHA protein (p.Asp137Val). This variant is not present in population databases (gnomAD no frequency). This variant has not been reported in the literature in individuals affected with SDHA-related conditions. ClinVar contains an entry for this variant (Variation ID: 2943636). Invitae Evidence Modeling of protein sequence and biophysical properties (such as structural, functional, and spatial information, amino acid conservation, physicochemical variation, residue mobility, and thermodynamic stability) has been performed for this missense variant. However, the output from this modeling did not meet the statistical confidence thresholds required to predict the impact of this variant on SDHA protein function. In summary, the available evidence is currently insufficient to determine the role of this variant in disease. Therefore, it has been classified as a Variant of Uncertain Significance.

NM_004168.4(SDHA):c.410A>T (p.Asp137Val)

Gene: SDHA (succinate dehydrogenase complex flavoprotein subunit A; plus strand). Cytogenetic location: 5p15.33.
Variant type: single nucleotide variant.
Coding change: c.410A>T on transcript NM_004168.4 (MANE Select); coding-DNA position 410, A replaced by T.
Protein change: p.Asp137Val; replaces aspartic acid 137 with valine.
Molecular consequence: missense variant. On other transcripts: intron variant (1).
Genome position (GRCh38, 1-based): chr5:225,516, A>T. VCF-style: chr5-225516-A-T. GRCh37 (hg19) VCF-style: chr5-225631-A-T.
Other names: c.410A>T (NM_004168.2); c.410A>T, p.Asp137Val (NM_001330758.2); c.313-367A>T (NM_001294332.2); short protein forms D137V.
Identifiers: ClinVar variation 2943636 (VCV002943636.5), dbSNP rs2126547375, ClinGen allele CA359009534.